The following is an entry in ClinVar:

NC_000011.9:g.(?_108178614)_(108183235_?)dup

Gene: ATM (ATM serine/threonine kinase; plus strand). Cytogenetic location: 11q22.3.
Variant type: Duplication.
Identifiers: ClinVar variation 1067121 (VCV001067121.5).

ClinVar aggregate classification (germline): Likely pathogenic (1 of 4 stars; one submission).

Conditions:
Ataxia-telangiectasia syndrome (AT). Also called: LOUIS-BAR SYNDROME; Ataxia-telangiectasia, complementation group D; AT, COMPLEMENTATION GROUP C; Cerebello-oculocutaneous telangiectasia; Immunodeficiency with ataxia telangiectasia; ATAXIA-TELANGIECTASIA, COMPLEMENTATION GROUP A. Identifiers: Orphanet 100, MedGen C0004135, MONDO:0008840, OMIM 208900.

Submission:

Labcorp Genetics (formerly Invitae), Labcorp
Classification: Likely pathogenic for Ataxia-telangiectasia syndrome. Last evaluated: 2023-09-10. Review status: criteria provided, single submitter. Criteria: Invitae Variant Classification Sherloc (09022015). Collection method: clinical testing. Allele origin: germline.
Comment: In summary, the currently available evidence indicates that the variant is pathogenic, but additional data are needed to prove that conclusively. Therefore, this variant has been classified as Likely Pathogenic. This variant has not been reported in the literature in individuals affected with ATM-related conditions. This variant results in a copy number gain of the genomic region encompassing exon(s) 38-40 of the ATM gene. While the exact position of this variant cannot be determined from the data, sub-genic copy number gains are generally in tandem (PMID: 25640679). This variant is predicted to be out-of-frame, and may result in an absent or disrupted protein product. Loss-of-function variants in ATM are known to be pathogenic (PMID: 23807571, 25614872).

Literature cited by the submitters: PubMed 25640679; PubMed 23807571; PubMed 25614872.